The following is an entry in ClinVar:

ClinVar aggregate classification (germline): Uncertain significance (1 of 4 stars; one submission).

Allele frequency attached by ClinVar (database versions not stated): gnomAD exomes below 0.00001.
gnomAD v4.1: 1 of 1,613,924 alleles (0.000062%); highest among the groups gnomAD compares: African/African-American, 0.0013%; no homozygotes.

Submission:

Labcorp Genetics (formerly Invitae), Labcorp
Classification: Uncertain significance. Last evaluated: 2022-01-15. Review status: criteria provided, single submitter. Criteria: Invitae Variant Classification Sherloc (09022015). Collection method: clinical testing. Allele origin: germline.
Comment: This sequence change replaces alanine, which is neutral and non-polar, with serine, which is neutral and polar, at codon 414 of the COL9A1 protein (p.Ala414Ser). This variant is not present in population databases (gnomAD no frequency). This variant has not been reported in the literature in individuals affected with COL9A1-related conditions. ClinVar contains an entry for this variant (Variation ID: 999960). In summary, the available evidence is currently insufficient to determine the role of this variant in disease. Therefore, it has been classified as a Variant of Uncertain Significance. Advanced modeling of protein sequence and biophysical properties (such as structural, functional, and spatial information, amino acid conservation, physicochemical variation, residue mobility, and thermodynamic stability) performed at Invitae indicates that this missense variant is not expected to disrupt COL9A1 protein function.

NM_001851.6(COL9A1):c.1240G>T (p.Ala414Ser)

Gene: COL9A1 (collagen type IX alpha 1 chain; minus strand). Cytogenetic location: 6q13.
Variant type: single nucleotide variant.
Coding change: c.1240G>T on transcript NM_001851.6 (MANE Select); coding-DNA position 1240, G replaced by T.
Protein change: p.Ala414Ser; replaces alanine 414 with serine.
Molecular consequence: missense variant. On other transcripts: non-coding transcript variant (1).
Genome position (GRCh38, 1-based): chr6:70,268,851, C>A on the plus strand (G>T on the coding strand, the complement: COL9A1 is on the minus strand). VCF-style: chr6-70268851-C-A. GRCh37 (hg19) VCF-style: chr6-70978554-C-A.
Other names: c.511G>T, p.Ala171Ser (NM_001377289.1, NM_001377290.1, NM_078485.4); short protein forms A171S, A414S.
Identifiers: ClinVar variation 999960 (VCV000999960.10), dbSNP rs1772210895, ClinGen allele CA364680898.